The following is an entry in ClinVar:

ClinVar aggregate classification (germline): Uncertain significance. Review status: criteria provided, multiple submitters, no conflicts (2 of 4 stars). 2 submissions from 2 submitters: Uncertain significance (2). Last evaluated 2025-04-17.

Allele frequency attached by ClinVar (database versions not stated): ESP Exome Variant Server 0.00023; ExAC 0.00005; gnomAD 0.00006.
gnomAD v4.1: 82 of 1,613,766 alleles (0.0051%); highest among the groups gnomAD compares: African/African-American, 0.0067%; no homozygotes.

Submissions (2):

Labcorp Genetics (formerly Invitae), Labcorp
Classification: Uncertain significance. Last evaluated: 2025-04-17. Review status: criteria provided, single submitter. Criteria: Invitae Variant Classification Sherloc (09022015). Collection method: clinical testing. Allele origin: germline.
Comment: This sequence change replaces threonine, which is neutral and polar, with methionine, which is neutral and non-polar, at codon 243 of the ATP4A protein (p.Thr243Met). This variant is present in population databases (rs142971981, gnomAD 0.006%). This variant has not been reported in the literature in individuals affected with ATP4A-related conditions. ClinVar contains an entry for this variant (Variation ID: 2987284). Invitae Evidence Modeling of protein sequence and biophysical properties (such as structural, functional, and spatial information, amino acid conservation, physicochemical variation, residue mobility, and thermodynamic stability) indicates that this missense variant is not expected to disrupt ATP4A protein function with a negative predictive value of 80%. In summary, the available evidence is currently insufficient to determine the role of this variant in disease. Therefore, it has been classified as a Variant of Uncertain Significance.

Ambry Genetics
Classification: Uncertain significance. Last evaluated: 2023-12-14. Review status: criteria provided, single submitter. Criteria: Ambry Variant Classification Scheme 2023. Collection method: clinical testing. Allele origin: germline.

NM_000704.3(ATP4A):c.728C>T (p.Thr243Met)

Gene: ATP4A (ATPase H+/K+ transporting subunit alpha; minus strand). Cytogenetic location: 19q13.12.
Variant type: single nucleotide variant.
Coding change: c.728C>T on transcript NM_000704.3 (MANE Select); coding-DNA position 728, C replaced by T.
Protein change: p.Thr243Met; replaces threonine 243 with methionine.
Molecular consequence: missense variant.
Genome position (GRCh38, 1-based): chr19:35,560,422, G>A on the plus strand (C>T on the coding strand, the complement: ATP4A is on the minus strand). VCF-style: chr19-35560422-G-A. GRCh37 (hg19) VCF-style: chr19-36051324-G-A.
Other names: c.728C>T (NM_000704.2); short protein forms T243M.
Identifiers: ClinVar variation 2987284 (VCV002987284.4), dbSNP rs142971981, ClinGen allele CA9381314.